The following is an entry in ClinVar:

NM_001145358.2(SIN3A):c.3307G>T (p.Glu1103Ter)

Gene: SIN3A (SIN3 transcription regulator family member A; minus strand). Cytogenetic location: 15q24.2.
Variant type: single nucleotide variant.
Coding change: c.3307G>T on transcript NM_001145358.2 (MANE Select); coding-DNA position 3307, G replaced by T.
Protein change: p.Glu1103Ter; replaces glutamic acid 1103 with a stop codon.
Molecular consequence: nonsense.
Genome position (GRCh38, 1-based): chr15:75,380,705, C>A on the plus strand (G>T on the coding strand, the complement: SIN3A is on the minus strand). VCF-style: chr15-75380705-C-A. GRCh37 (hg19) VCF-style: chr15-75673046-C-A.
Other names: c.3307G>T, p.Glu1103Ter (NM_001145357.2, NM_001437462.1, NM_001437463.1 and 1 more transcripts); short protein forms E1103*.
Identifiers: ClinVar variation 4890893 (VCV004890893.1).

ClinVar aggregate classification (germline): Pathogenic (1 of 4 stars; one submission).

Conditions:
SIN3A-related intellectual disability syndrome due to a point mutation. Also called: 15q24 Microdeletion Syndrome; WITTEVEEN-KOLK SYNDROME. Identifiers: Orphanet 500166, Orphanet 94065, MedGen C4310804, MONDO:0044700, OMIM 613406.

Submission:

Clinical Genetics Laboratory, Skane University Hospital Lund
Classification: Pathogenic for SIN3A-related intellectual disability syndrome due to a point mutation. Last evaluated: 2026-07-31. Review status: criteria provided, single submitter. Criteria: ACMG Guidelines, 2015. Collection method: clinical testing. Allele origin: germline. Affected: yes.
Comment: PVS1, PS2, PM2